The following is an entry in ClinVar:

NM_007294.4(BRCA1):c.4092C>T (p.Asn1364=)

Genes: BRCA1 (BRCA1 DNA repair associated; minus strand), LOC126862571 (BRD4-independent group 4 enhancer GRCh37_chr17:41243136-41244335; plus strand). Cytogenetic location: 17q21.31.
Variant type: single nucleotide variant.
Coding change: c.4092C>T on transcript NM_007294.4 (MANE Select); coding-DNA position 4092, C replaced by T.
Protein change: p.Asn1364=; no amino-acid change (asparagine 1364 retained).
Molecular consequence: synonymous variant. On other transcripts: intron variant (135).
Genome position (GRCh38, 1-based): chr17:43,091,439, G>A on the plus strand (C>T on the coding strand, the complement: BRCA1 is on the minus strand). VCF-style: chr17-43091439-G-A. GRCh37 (hg19) VCF-style: chr17-41243456-G-A.
Other names: c.3879C>T, p.Asn1293= (NM_001407571.1, NM_001407853.1, NM_001407894.1 and 9 more transcripts); c.4092C>T, p.Asn1364= (NM_001407581.1, NM_001407582.1, NM_001407583.1 and 30 more transcripts); c.4089C>T, p.Asn1363= (NM_001407587.1, NM_001407590.1, NM_001407591.1 and 22 more transcripts); c.4083C>T, p.Asn1361= (NM_001407646.1, NM_001407647.1); c.3969C>T, p.Asn1323= (NM_001407648.1, NM_001407664.1, NM_001407665.1 and 19 more transcripts); c.3966C>T, p.Asn1322= (NM_001407649.1, NM_001407670.1, NM_001407671.1 and 11 more transcripts); c.4014C>T, p.Asn1338= (NM_001407653.1, NM_001407654.1, NM_001407655.1 and 4 more transcripts); c.4011C>T, p.Asn1337= (NM_001407659.1, NM_001407660.1, NM_001407661.1 and 1 more transcripts); and 41 more.
Identifiers: ClinVar variation 184605 (VCV000184605.17), dbSNP rs786201566, ClinGen allele CA002614.

ClinVar aggregate classification (germline): Likely benign. Review status: reviewed by expert panel (3 of 4 stars). 3 submissions from 3 submitters: Likely benign (1). 2 of the submissions do not count toward it. Last evaluated 2017-06-29.

Conditions:
Hereditary breast ovarian cancer syndrome. Also called: Hereditary breast and ovarian cancer syndrome; Hereditary breast and ovarian cancer syndrome (HBOC); BRCA1- and BRCA2-Associated Hereditary Breast and Ovarian Cancer; Breast and ovarian cancer; Hereditary breast and ovarian cancer; Hereditary breast and/or ovarian cancer syndrome. Identifiers: Orphanet 145, MedGen C0677776, MeSH D061325, MONDO:0003582. Disease mechanism: loss of function.
Hereditary cancer-predisposing syndrome. Also called: Hereditary Cancer Syndrome; Hereditary neoplastic syndrome; Tumor predisposition; Neoplastic Syndromes, Hereditary. Identifiers: Orphanet 140162, MedGen C0027672, MeSH D009386, MONDO:0015356.
Breast-ovarian cancer, familial, susceptibility to, 1 (BROVCA1). Also called: OVARIAN CANCER, SUSCEPTIBILITY TO; BRCA1 Hereditary Breast and Ovarian Cancer. Identifiers: Orphanet 145, MedGen C2676676, MONDO:0011450, OMIM 604370. Disease mechanism: loss of function.

Allele frequency attached by ClinVar (database versions not stated): gnomAD exomes below 0.00001.
gnomAD v4.1: 1 of 1,613,904 alleles (0.000062%); highest among the groups gnomAD compares: Non-Finnish European, 0.000085%; no homozygotes.

Submissions (3):

Evidence-based Network for the Interpretation of Germline Mutant Alleles (ENIGMA)
Classification: Likely benign for Breast-ovarian cancer, familial, susceptibility to, 1. Last evaluated: 2017-06-29. Review status: reviewed by expert panel. Criteria: ENIGMA BRCA1/2 Classification Criteria (2017-06-29). Collection method: curation. Allele origin: germline.
Comment: Synonymous substitution variant, with low bioinformatic likelihood to result in a splicing aberration (Splicing prior probability 0.02).

Labcorp Genetics (formerly Invitae), Labcorp
Classification: Likely benign for Hereditary breast ovarian cancer syndrome. Last evaluated: 2016-04-19. Review status: criteria provided, single submitter. Criteria: Invitae Variant Classification Sherloc (09022015). Collection method: clinical testing. Allele origin: germline. Not counted in ClinVar's aggregate classification.

Ambry Genetics
Classification: Likely benign for Hereditary cancer-predisposing syndrome. Last evaluated: 2014-03-06. Review status: criteria provided, single submitter. Criteria: Ambry Autosomal Dominant and X-Linked criteria (10/2015). Collection method: clinical testing. Allele origin: germline. Observed: 1 variant allele. Not counted in ClinVar's aggregate classification.